The following is an entry in ClinVar:

ClinVar aggregate classification (germline): Likely benign (1 of 4 stars; one submission).

Submission:

CeGaT Center for Human Genetics Tuebingen
Classification: Likely benign. Last evaluated: 2026-04-01. Review status: criteria provided, single submitter. Criteria: CeGaT Center For Human Genetics Tuebingen Variant Classification Criteria Version 2. Collection method: clinical testing. Allele origin: germline. Affected: yes. Observed: 1 variant allele.
Comment: TAF2: PM2:Supporting, BP4, BP7

NM_003184.4(TAF2):c.3338-523A>G

Gene: TAF2 (TATA-box binding protein associated factor 2; minus strand). Cytogenetic location: 8q24.12.
Variant type: single nucleotide variant.
Coding change: c.3338-523A>G on transcript NM_003184.4 (MANE Select); 523 bases into the intron before coding-DNA position 3338, A replaced by G.
Molecular consequence: intron variant.
Genome position (GRCh38, 1-based): chr8:119,732,709, T>C on the plus strand (A>G on the coding strand, the complement: TAF2 is on the minus strand). VCF-style: chr8-119732709-T-C. GRCh37 (hg19) VCF-style: chr8-120744949-T-C.
Other names: c.3227-523A>G (NM_001437339.1); c.3383-523A>G (NM_001438084.1); c.3494-523A>G (NM_001437338.1).
Identifiers: ClinVar variation 4821004 (VCV004821004.4).